The following is an entry in ClinVar:

ClinVar aggregate classification (germline): Conflicting classifications of pathogenicity. Review status: criteria provided, conflicting classifications (1 of 4 stars). 4 submissions from 4 submitters: Uncertain significance (2); Likely benign (1). 1 of the submissions does not count toward it. Last evaluated 2026-01-24.

Conditions:
Nemaline myopathy 2 (NEM2). Also called: Nemaline myopathy 2, autosomal recessive. Identifiers: MedGen C1850569, MONDO:0009725, OMIM 256030.

Allele frequency attached by ClinVar (database versions not stated): TOPMed below 0.00001; ExAC 0.00001; gnomAD exomes 0.00001 and 0.00003.
gnomAD v4.1: 39 of 1,613,358 alleles (0.0024%); highest among the groups gnomAD compares: Non-Finnish European, 0.0032%; no homozygotes.

Submissions (4):

Labcorp Genetics (formerly Invitae), Labcorp
Classification: Likely benign for Nemaline myopathy 2. Last evaluated: 2026-01-24. Review status: criteria provided, single submitter. Criteria: Invitae Variant Classification Sherloc (09022015). Collection method: clinical testing. Allele origin: germline.

GeneDx
Classification: Uncertain significance. Last evaluated: 2025-03-04. Review status: criteria provided, single submitter. Criteria: GeneDx Variant Classification Process June 2021. Collection method: clinical testing. Allele origin: germline. Affected: yes.
Comment: Not observed at significant frequency in large population cohorts (gnomAD); In silico analysis supports that this missense variant has a deleterious effect on protein structure/function; Has not been previously published as pathogenic or benign to our knowledge

Revvity Omics, Revvity
Classification: Uncertain significance. Last evaluated: 2022-01-13. Review status: criteria provided, single submitter. Criteria: ACMG Guidelines, 2015. Collection method: clinical testing. Allele origin: germline.

Natera, Inc.
Classification: Uncertain significance for Nemaline myopathy type 2. Last evaluated: 2019-11-11. Review status: no assertion criteria provided. Collection method: clinical testing. Allele origin: germline. Not counted in ClinVar's aggregate classification.

NM_001164508.2(NEB):c.11798T>C (p.Met3933Thr)

Gene: NEB (nebulin; minus strand). Cytogenetic location: 2q23.3.
Variant type: single nucleotide variant.
Coding change: c.11798T>C on transcript NM_001164508.2 (MANE Select); coding-DNA position 11798, T replaced by C.
Protein change: p.Met3933Thr; replaces methionine 3933 with threonine.
Molecular consequence: missense variant.
Genome position (GRCh38, 1-based): chr2:151,612,193, A>G on the plus strand (T>C on the coding strand, the complement: NEB is on the minus strand). VCF-style: chr2-151612193-A-G. GRCh37 (hg19) VCF-style: chr2-152468707-A-G.
Other names: c.11798T>C, p.Met3933Thr (NM_001164507.2, NM_001271208.2); c.11069T>C, p.Met3690Thr (NM_004543.5); short protein forms M3933T, M3690T.
Identifiers: ClinVar variation 451165 (VCV000451165.15), dbSNP rs772235127, ClinGen allele CA1908673.
Genomic context (GRCh38, chr2:151,612,193, plus strand): 5'-GCCAAATCTGTGGAAGGTATGATTCTGGCAACAGAAAACAGCTGGAGACTCACCTTGCTC[A>G]TTGTCAGGGCATTATTCTTTGCTAGGACAATTTCCGGAGTGTCGGTAATGCATGTGAATT-3'
Protein context (NP_001157980.2, residues 3923-3943): IVLAKNNALT[Met3933Thr]SKHLYTEAWD